The following is an entry in ClinVar:

ClinVar aggregate classification (germline): Pathogenic/Likely pathogenic. Review status: criteria provided, multiple submitters, no conflicts (2 of 4 stars). 4 submissions from 4 submitters: Pathogenic (1); Likely pathogenic (3). Last evaluated 2025-09-19.

Conditions:
Pontocerebellar hypoplasia type 6 (PCH6). Identifiers: Orphanet 166073, MedGen C1969084, MONDO:0012683, OMIM 611523.

Submissions (4):

Natera, Inc.
Classification: Likely pathogenic for Pontocerebellar hypoplasia, type 6. Last evaluated: 2025-09-19. Review status: criteria provided, single submitter. Criteria: Natera Variant Classification Schema (03/2026). Collection method: clinical testing. Allele origin: germline.
Comment: The c.928dupA variant in RARS2 is a frameshift variant predicted to shift the reading frame beginning at codon 310 and leads to a stop codon 8 codons downstream. This variant is expected to result in nonsense mediated decay, truncation, or a dysfunctional protein product. This variant is rare in the general population with a frequency below the threshold expected for the associated phenotype(s). Given the available evidence, this variant is classified as Likely Pathogenic.

Labcorp Genetics (formerly Invitae), Labcorp
Classification: Pathogenic. Last evaluated: 2023-11-06. Review status: criteria provided, single submitter. Criteria: Invitae Variant Classification Sherloc (09022015). Collection method: clinical testing. Allele origin: germline.
Comment: This sequence change creates a premature translational stop signal (p.Ile310Asnfs*8) in the RARS2 gene. It is expected to result in an absent or disrupted protein product. Loss-of-function variants in RARS2 are known to be pathogenic (PMID: 17847012, 22569581, 26083569). This variant is not present in population databases (gnomAD no frequency). This variant has not been reported in the literature in individuals affected with RARS2-related conditions. ClinVar contains an entry for this variant (Variation ID: 1076286). Algorithms developed to predict the effect of sequence changes on RNA splicing suggest that this variant may disrupt the consensus splice site. For these reasons, this variant has been classified as Pathogenic.

Baylor Genetics
Classification: Likely pathogenic for Pontocerebellar hypoplasia type 6. Last evaluated: 2023-09-06. Review status: criteria provided, single submitter. Criteria: ACMG Guidelines, 2015. Collection method: clinical testing. Allele origin: unknown.

Fulgent Genetics
Classification: Likely pathogenic for Pontocerebellar hypoplasia type 6. Last evaluated: 2021-08-07. Review status: criteria provided, single submitter. Criteria: ACMG Guidelines, 2015. Collection method: clinical testing. Allele origin: unknown.

Literature cited by the submitters: PubMed 17847012 (cited by Labcorp Genetics (formerly Invitae), Labcorp); PubMed 22569581 (cited by Labcorp Genetics (formerly Invitae), Labcorp); PubMed 26083569 (cited by Labcorp Genetics (formerly Invitae), Labcorp).

NM_020320.5(RARS2):c.928dup (p.Ile310fs)

Gene: RARS2 (arginyl-tRNA synthetase 2, mitochondrial; minus strand). Cytogenetic location: 6q15.
Variant type: Duplication.
Coding change: c.928dup on transcript NM_020320.5 (MANE Select); coding-DNA position 928, one base duplicated (A; older notation c.928dupA).
Protein change: p.Ile310fs; shifts the reading frame from isoleucine 310.
Molecular consequence: frameshift variant. On other transcripts: non-coding transcript variant (23).
Genome position (GRCh38, 1-based): chr6:87,524,603, T duplicated on the plus strand (A on the coding strand, the reverse complement: RARS2 is on the minus strand); the first of 2 consecutive T bases (chr6:87,524,603-87,524,604); duplicating either gives the same sequence. VCF-style (leftmost placement, unchanged base first): chr6-87524602-A-AT. GRCh37 (hg19) VCF-style: chr6-88234320-A-AT.
Other names: c.928dupA (NM_020320.4); c.403dup, p.Ile135fs (NM_001318785.2, NM_001350506.2, NM_001350507.2 and 4 more transcripts); c.928dup, p.Ile310fs (NM_001350505.2); short protein forms I135fs, I310fs.
Identifiers: ClinVar variation 1076286 (VCV001076286.8), dbSNP rs1360282089, ClinGen allele CA829278079.
Genomic context (GRCh38, chr6:87,524,602, plus strand): 5'-ACAGAGGCTACAAACCTGGTTGCATAGAGAGAAGTCCCATCACTTCGCATTACAGTACAA[A>AT]TTGAGGAGGGGTCGCCATTCCCAGAGAGATCTACTACAGCCGTTCCTTTTCTAGAAATTC-3'